The following is an entry in ClinVar:

NM_020975.6(RET):c.109T>C (p.Trp37Arg)

Gene: RET (ret proto-oncogene; plus strand). Cytogenetic location: 10q11.21.
Variant type: single nucleotide variant.
Coding change: c.109T>C on transcript NM_020975.6 (MANE Select); coding-DNA position 109, T replaced by C.
Protein change: p.Trp37Arg; replaces tryptophan 37 with arginine.
Molecular consequence: missense variant.
Genome position (GRCh38, 1-based): chr10:43,100,494, T>C. VCF-style: chr10-43100494-T-C. GRCh37 (hg19) VCF-style: chr10-43595942-T-C.
Other names: c.109T>C, p.Trp37Arg (NM_000323.2, NM_001406743.1, NM_001406744.1 and 34 more transcripts); short protein forms W37R.
Identifiers: ClinVar variation 477304 (VCV000477304.12), dbSNP rs777042445, ClinGen allele CA031539.

ClinVar aggregate classification (germline): Conflicting classifications of pathogenicity. Review status: criteria provided, conflicting classifications (1 of 4 stars). 2 submissions from 2 submitters: Uncertain significance (1); Likely benign (1). Last evaluated 2026-01-06.

Conditions:
Hereditary cancer-predisposing syndrome. Also called: Neoplastic Syndromes, Hereditary; Hereditary Cancer Syndrome; Hereditary neoplastic syndrome; Tumor predisposition. Identifiers: Orphanet 140162, MedGen C0027672, MeSH D009386, MONDO:0015356.
Multiple endocrine neoplasia, type 2 (MEN2). Identifiers: Orphanet 653, MedGen C4048306, MONDO:0019003. Disease mechanism: gain of function.

Allele frequency attached by ClinVar (database versions not stated): TOPMed below 0.00001; ExAC 0.00001; gnomAD exomes 0.00001.

Submissions (2):

Labcorp Genetics (formerly Invitae), Labcorp
Classification: Uncertain significance for Multiple endocrine neoplasia, type 2. Last evaluated: 2026-01-06. Review status: criteria provided, single submitter. Criteria: Invitae Variant Classification Sherloc (09022015). Collection method: clinical testing. Allele origin: germline.
Comment: This sequence change replaces tryptophan, which is neutral and slightly polar, with arginine, which is basic and polar, at codon 37 of the RET protein (p.Trp37Arg). This variant is present in population databases (rs777042445, gnomAD 0.009%). This variant has not been reported in the literature in individuals affected with RET-related conditions. ClinVar contains an entry for this variant (Variation ID: 477304). An algorithm developed to predict the effect of missense changes on protein structure and function (PolyPhen-2) suggests that this variant is likely to be tolerated. In summary, the available evidence is currently insufficient to determine the role of this variant in disease. Therefore, it has been classified as a Variant of Uncertain Significance.

Ambry Genetics
Classification: Likely benign for Hereditary cancer-predisposing syndrome. Last evaluated: 2021-09-03. Review status: criteria provided, single submitter. Criteria: Ambry Variant Classification Scheme 2023. Collection method: clinical testing. Allele origin: germline.